The following is an entry in ClinVar:

NM_133379.5(TTN):c.10920T>C (p.Ser3640=)

Gene: TTN (titin; minus strand). Cytogenetic location: 2q31.2.
Variant type: single nucleotide variant.
Coding change: c.10920T>C on transcript NM_133379.5; coding-DNA position 10920, T replaced by C.
Protein change: p.Ser3640=; no amino-acid change (serine 3640 retained).
Molecular consequence: synonymous variant. On other transcripts: intron variant (6).
Genome position (GRCh38, 1-based): chr2:178,751,480, A>G on the plus strand (T>C on the coding strand, the complement: TTN is on the minus strand). VCF-style: chr2-178751480-A-G. GRCh37 (hg19) VCF-style: chr2-179616207-A-G.
Other names: p.S3640S:TCT>TCC; c.10360+1644T>C (NM_001256850.1, NM_133378.4); c.10222+1644T>C (NM_003319.4); c.10798+1644T>C (NM_133437.4); c.10597+1644T>C (NM_133432.3); c.11311+1644T>C (NM_001267550.2); c.10920T>C (NM_133379.4).
Identifiers: ClinVar variation 166281 (VCV000166281.44), dbSNP rs142585268, ClinGen allele CA295552.

ClinVar aggregate classification (germline): Benign/Likely benign. Review status: criteria provided, multiple submitters, no conflicts (2 of 4 stars). 11 submissions from 11 submitters: Benign (1); Likely benign (5). 5 of the submissions do not count toward it. Last evaluated 2025-03-01.

Conditions:
TTN-related disorder. Also called: TTN-related disorders; TTN-related condition; TTN-related disease.
Hypertrophic cardiomyopathy 9. Also called: Familial hypertrophic cardiomyopathy 9. Identifiers: MedGen C1861065, MONDO:0013412, OMIM 613765.
Dilated cardiomyopathy 1G (CMD1G). Identifiers: Orphanet 154, MedGen C1858763, MONDO:0011400, OMIM 604145.
Myopathy, myofibrillar, 9, with early respiratory failure (MFM9). Also called: Hereditary myopathy with early respiratory failure; MYOPATHY, PROXIMAL, WITH EARLY RESPIRATORY MUSCLE INVOLVEMENT; EDSTROM MYOPATHY; Myopathy, distal, with early respiratory failure, autosomal dominant. Identifiers: Orphanet 178464, Orphanet 34521, MedGen C1863599, MONDO:0011362, OMIM 603689.
Autosomal recessive limb-girdle muscular dystrophy type 2J (LGMDR10). Also called: Limb-girdle muscular dystrophy, type 2J; MUSCULAR DYSTROPHY, LIMB-GIRDLE, AUTOSOMAL RECESSIVE 10. Identifiers: Orphanet 140922, MedGen C1837342, MONDO:0012127, OMIM 608807.
Tibial muscular dystrophy (TMD). Also called: UDD MYOPATHY; Tibial muscular dystrophy, tardive; Udd Distal Myopathy – Tibial Muscular Dystrophy. Identifiers: Orphanet 609, MedGen C1838244, MONDO:0010870, OMIM 600334.
Early-onset myopathy with fatal cardiomyopathy (CMYO5). Also called: CONGENITAL MYOPATHY 5 WITH CARDIOMYOPATHY; Salih Myopathy. Identifiers: Orphanet 289377, MedGen C2673677, MONDO:0012714, OMIM 611705. Disease mechanism: loss of function.

Allele frequency attached by ClinVar (database versions not stated): 1000 Genomes Project 0.00020; ExAC 0.00050; gnomAD exomes 0.00050 and 0.00115; ESP Exome Variant Server 0.00054; gnomAD 0.00059; TOPMed 0.00063; 1000 Genomes Project 30x 0.00078.
gnomAD v4.1: 1,753 of 1,613,302 alleles (0.11%); highest among the groups gnomAD compares: Non-Finnish European, 0.14%; 2 homozygotes.

Submissions (11):

CeGaT Center for Human Genetics Tuebingen
Classification: Likely benign. Last evaluated: 2025-03-01. Review status: criteria provided, single submitter. Criteria: CeGaT Center For Human Genetics Tuebingen Variant Classification Criteria Version 2. Collection method: clinical testing. Allele origin: germline. Affected: yes. Observed: 3 variant alleles.
Comment: TTN: BP4, BP7

Blueprint Genetics
Classification: Likely benign. Last evaluated: 2024-11-25. Review status: criteria provided, single submitter. Criteria: ACMG Guidelines, 2015. Collection method: clinical testing. Allele origin: germline.

Fulgent Genetics
Classification: Likely benign for Tibial muscular dystrophy; Myopathy, myofibrillar, 9, with early respiratory failure; Dilated cardiomyopathy 1G; Autosomal recessive limb-girdle muscular dystrophy type 2J; Early-onset myopathy with fatal cardiomyopathy; Hypertrophic cardiomyopathy 9. Last evaluated: 2021-10-04. Review status: criteria provided, single submitter. Criteria: ACMG Guidelines, 2015. Collection method: clinical testing. Allele origin: unknown.

Eurofins Ntd Llc (ga)
Classification: Likely benign. Last evaluated: 2017-03-05. Review status: criteria provided, single submitter. Criteria: EGL Classification Definitions 2015. Collection method: clinical testing. Allele origin: germline. Observed: 2 variant alleles, 2 heterozygotes.

GeneDx
Classification: Benign. Last evaluated: 2014-10-29. Review status: criteria provided, single submitter. Criteria: GeneDx Variant Classification (06012015). Collection method: clinical testing. Allele origin: germline. Affected: yes.
Comment: This variant is considered likely benign or benign based on one or more of the following criteria: it is a conservative change, it occurs at a poorly conserved position in the protein, it is predicted to be benign by multiple in silico algorithms, and/or has population frequency not consistent with disease.

Laboratory for Molecular Medicine, Mass General Brigham Personalized Medicine
Classification: Likely benign. Last evaluated: 2012-03-19. Review status: criteria provided, single submitter. Criteria: LMM Criteria. Collection method: clinical testing. Allele origin: germline. Observed: 3 variant alleles.
Comment: Ser3640Ser in exon 45A of TTN: This variant is not expected to have clinical sig nificance because it does not alter an amino acid residue and is not located wit hin the splice consensus sequence. It has been identified in 0.1% (5/7020) of Eu ropean American chromosomes from a broad population by the NHLBI Exome Sequencin g Project (dbSNP rs142585268).

PreventionGenetics, part of Exact Sciences
Classification: Likely benign for TTN-related condition. Last evaluated: 2024-05-11. Review status: no assertion criteria provided. Collection method: clinical testing. Allele origin: germline. Not counted in ClinVar's aggregate classification.
Comment: This variant is classified as likely benign based on ACMG/AMP sequence variant interpretation guidelines (Richards et al. 2015 PMID: 25741868, with internal and published modifications).

Clinical Genetics, Academic Medical Center
Classification: Benign. Review status: no assertion criteria provided. Collection method: clinical testing. Allele origin: germline. Affected: yes. Study: VKGL Data-share Consensus. Not counted in ClinVar's aggregate classification.

Diagnostic Laboratory, Department of Genetics, University Medical Center Groningen
Classification: Likely benign. Review status: no assertion criteria provided. Collection method: clinical testing. Allele origin: germline. Affected: yes. Study: VKGL Data-share Consensus. Not counted in ClinVar's aggregate classification.

Genome Diagnostics Laboratory, University Medical Center Utrecht
Classification: Likely benign. Review status: no assertion criteria provided. Collection method: clinical testing. Allele origin: germline. Affected: yes. Study: VKGL Data-share Consensus. Not counted in ClinVar's aggregate classification.

Joint Genome Diagnostic Labs from Nijmegen and Maastricht, Radboudumc and MUMC+
Classification: Benign. Review status: no assertion criteria provided. Collection method: clinical testing. Allele origin: germline. Affected: yes. Study: VKGL Data-share Consensus. Not counted in ClinVar's aggregate classification.